The following is an entry in ClinVar:

ClinVar aggregate classification (germline): Uncertain significance. Review status: criteria provided, multiple submitters, no conflicts (2 of 4 stars). 6 submissions from 6 submitters: Uncertain significance (6). Last evaluated 2025-07-22.

Conditions:
Inborn genetic diseases. Identifiers: MedGen C0950123, MeSH D030342.

Allele frequency attached by ClinVar (database versions not stated): ESP Exome Variant Server 0.00038; gnomAD 0.00039 and 0.00040; gnomAD exomes 0.00039 and 0.00050; ExAC 0.00044; TOPMed 0.00045.
gnomAD v4.1: 791 of 1,614,170 alleles (0.049%); highest among the groups gnomAD compares: Middle Eastern, 0.23%; 2 homozygotes.

Submissions (6):

Labcorp Genetics (formerly Invitae), Labcorp
Classification: Uncertain significance. Last evaluated: 2025-07-22. Review status: criteria provided, single submitter. Criteria: Invitae Variant Classification Sherloc (09022015). Collection method: clinical testing. Allele origin: germline.
Comment: This sequence change replaces alanine, which is neutral and non-polar, with aspartic acid, which is acidic and polar, at codon 212 of the CENPF protein (p.Ala212Asp). This variant is present in population databases (rs141892982, gnomAD 0.07%). This variant has not been reported in the literature in individuals affected with CENPF-related conditions. ClinVar contains an entry for this variant (Variation ID: 434702). An algorithm developed to predict the effect of missense changes on protein structure and function (PolyPhen-2) suggests that this variant is likely to be disruptive. In summary, the available evidence is currently insufficient to determine the role of this variant in disease. Therefore, it has been classified as a Variant of Uncertain Significance.

GeneDx
Classification: Uncertain significance. Last evaluated: 2023-01-09. Review status: criteria provided, single submitter. Criteria: GeneDx Variant Classification Process June 2021. Collection method: clinical testing. Allele origin: germline. Affected: yes.
Comment: In silico analysis supports that this missense variant does not alter protein structure/function; Has not been previously published as pathogenic or benign to our knowledge

CeGaT Center for Human Genetics Tuebingen
Classification: Uncertain significance. Last evaluated: 2022-03-01. Review status: criteria provided, single submitter. Criteria: CeGaT Center For Human Genetics Tuebingen Variant Classification Criteria Version 2. Collection method: clinical testing. Allele origin: germline. Affected: yes. Observed: 1 variant allele.

Ambry Genetics
Classification: Uncertain significance for Inborn genetic diseases. Last evaluated: 2021-07-14. Review status: criteria provided, single submitter. Criteria: Ambry Variant Classification Scheme 2023. Collection method: clinical testing. Allele origin: germline.

Genetic Services Laboratory, University of Chicago
Classification: Uncertain significance. Last evaluated: 2017-04-25. Review status: criteria provided, single submitter. Criteria: ACMG Guidelines, 2015. Collection method: clinical testing. Allele origin: germline. Affected: no.

Breakthrough Genomics
Classification: Uncertain significance. Review status: criteria provided, single submitter. Criteria: ACMG Guidelines, 2015. Collection method: not provided. Allele origin: germline. Inheritance: Autosomal recessive inheritance. Affected: yes.

NM_016343.4(CENPF):c.635C>A (p.Ala212Asp)

Gene: CENPF (centromere protein F; plus strand). Cytogenetic location: 1q41.
Variant type: single nucleotide variant.
Coding change: c.635C>A on transcript NM_016343.4 (MANE Select); coding-DNA position 635, C replaced by A.
Protein change: p.Ala212Asp; replaces alanine 212 with aspartic acid.
Molecular consequence: missense variant.
Genome position (GRCh38, 1-based): chr1:214,620,716, C>A. VCF-style: chr1-214620716-C-A. GRCh37 (hg19) VCF-style: chr1-214794059-C-A.
Other names: short protein forms A212D.
Identifiers: ClinVar variation 434702 (VCV000434702.37), dbSNP rs141892982, ClinGen allele CA1389821.